The following is an entry in ClinVar:

NM_024529.5(CDC73):c.377G>A (p.Arg126Gln)

Gene: CDC73 (cell division cycle 73; plus strand). Cytogenetic location: 1q31.2.
Variant type: single nucleotide variant.
Coding change: c.377G>A on transcript NM_024529.5 (MANE Select); coding-DNA position 377, G replaced by A.
Protein change: p.Arg126Gln; replaces arginine 126 with glutamine.
Molecular consequence: missense variant.
Genome position (GRCh38, 1-based): chr1:193,135,543, G>A. VCF-style: chr1-193135543-G-A. GRCh37 (hg19) VCF-style: chr1-193104673-G-A.
Other names: short protein forms R126Q.
Identifiers: ClinVar variation 1013674 (VCV001013674.9), dbSNP rs1675777366, ClinGen allele CA343960613.

ClinVar aggregate classification (germline): Uncertain significance (1 of 4 stars; one submission).

Conditions:
Parathyroid carcinoma (PRTC). Also called: CDC73-Related Parathyroid Carcinoma; Parathyroid gland carcinoma. Identifiers: Orphanet 143, MedGen C0687150, MONDO:0012004, OMIM 608266, HP:0006780.

Submission:

Labcorp Genetics (formerly Invitae), Labcorp
Classification: Uncertain significance for Parathyroid carcinoma. Last evaluated: 2023-12-13. Review status: criteria provided, single submitter. Criteria: Invitae Variant Classification Sherloc (09022015). Collection method: clinical testing. Allele origin: germline.
Comment: This sequence change replaces arginine, which is basic and polar, with glutamine, which is neutral and polar, at codon 126 of the CDC73 protein (p.Arg126Gln). This variant is not present in population databases (gnomAD no frequency). This variant has not been reported in the literature in individuals affected with CDC73-related conditions. ClinVar contains an entry for this variant (Variation ID: 1013674). Advanced modeling of protein sequence and biophysical properties (such as structural, functional, and spatial information, amino acid conservation, physicochemical variation, residue mobility, and thermodynamic stability) performed at Invitae indicates that this missense variant is not expected to disrupt CDC73 protein function with a negative predictive value of 80%. In summary, the available evidence is currently insufficient to determine the role of this variant in disease. Therefore, it has been classified as a Variant of Uncertain Significance.